The following is an entry in ClinVar:

ClinVar aggregate classification (germline): Likely benign. Review status: criteria provided, multiple submitters, no conflicts (2 of 4 stars). 3 submissions from 3 submitters: Likely benign (3). Last evaluated 2026-04-01.

Allele frequency attached by ClinVar (database versions not stated): gnomAD exomes 0.00006 and 0.00015; TOPMed 0.00006; gnomAD 0.00007 and 0.00009; ESP Exome Variant Server 0.00008; ExAC 0.00009.
gnomAD v4.1: 230 of 1,584,714 alleles (0.015%); highest among the groups gnomAD compares: Non-Finnish European, 0.019%; no homozygotes.

Submissions (3):

CeGaT Center for Human Genetics Tuebingen
Classification: Likely benign. Last evaluated: 2026-04-01. Review status: criteria provided, single submitter. Criteria: CeGaT Center For Human Genetics Tuebingen Variant Classification Criteria Version 2. Collection method: clinical testing. Allele origin: germline. Affected: yes. Observed: 2 variant alleles.
Comment: OTOGL: BP4, BP7

Labcorp Genetics (formerly Invitae), Labcorp
Classification: Likely benign. Last evaluated: 2023-10-13. Review status: criteria provided, single submitter. Criteria: Invitae Variant Classification Sherloc (09022015). Collection method: clinical testing. Allele origin: germline.

Laboratory for Molecular Medicine, Mass General Brigham Personalized Medicine
Classification: Likely benign. Last evaluated: 2017-03-11. Review status: criteria provided, single submitter. Criteria: LMM Criteria. Collection method: clinical testing. Allele origin: germline. Observed: 1 variant allele.
Comment: p.Tyr1473Tyr in exon 38 of OTOGL: This variant is not expected to have clinical significance because it does not alter an amino acid residue and is not located within the splice consensus sequence. It has been identified in 10/64576 Europea n chromosomes by the Exome Aggregation Consortium (ExAC; dbSNP rs376273459).

NM_001378609.3(OTOGL):c.4446T>C (p.Tyr1482=)

Gene: OTOGL (otogelin like; plus strand). Cytogenetic location: 12q21.31.
Variant type: single nucleotide variant.
Coding change: c.4446T>C on transcript NM_001378609.3 (MANE Select); coding-DNA position 4446, T replaced by C.
Protein change: p.Tyr1482=; no amino-acid change (tyrosine 1482 retained).
Molecular consequence: synonymous variant.
Genome position (GRCh38, 1-based): chr12:80,335,986, T>C. VCF-style: chr12-80335986-T-C. GRCh37 (hg19) VCF-style: chr12-80729766-T-C.
Other names: c.4311T>C, p.Tyr1437= (NM_001368062.3); c.4446T>C, p.Tyr1482= (NM_001378610.3, NM_173591.7).
Identifiers: ClinVar variation 504795 (VCV000504795.15), dbSNP rs376273459, ClinGen allele CA6701398.
Genomic context (GRCh38, chr12:80,335,986, plus strand): 5'-AGAATGAAAAAACCCACTAATCTTTTTTTATTAACAGCCTCAGAAATTTGATCCTGTTTA[T>C]GATTGTAGCCAATACATATGCCTTAATATGGAATGGCAGTTATACAACTGGTCCCTTAAT-3'
Protein context (NP_001365538.2, residues 1472-1492): ECEPQKFDPV[Tyr1482=]DCSQYICLNM